The following is an entry in ClinVar:

NM_012418.4(FSCN2):c.454G>A (p.Val152Met)

Gene: FSCN2 (fascin actin-bundling protein 2, retinal; plus strand). Cytogenetic location: 17q25.3.
Variant type: single nucleotide variant.
Coding change: c.454G>A on transcript NM_012418.4 (MANE Select); coding-DNA position 454, G replaced by A.
Protein change: p.Val152Met; replaces valine 152 with methionine.
Molecular consequence: missense variant.
Genome position (GRCh38, 1-based): chr17:81,528,985, G>A. VCF-style: chr17-81528985-G-A. GRCh37 (hg19) VCF-style: chr17-79496011-G-A.
Other names: c.454G>A (NM_001077182.2); c.454G>A, p.Val152Met (NM_001077182.3); short protein forms V152M.
Identifiers: ClinVar variation 1397197 (VCV001397197.7), dbSNP rs557443473, ClinGen allele CA8836684.
Genomic context (GRCh38, chr17:81,528,985, plus strand): 5'-ACCGTGCACCTGGCCATCCACCCGCAGGCCCACCTGCTGAGCGTGAGCCGGCGGCGCTAC[G>A]TGCACCTGTGCCCGCGGGAGGACGAGATGGCCGCAGACGGAGACAAGCCCTGGGGCGTGG-3'
Protein context (NP_036550.1, residues 142-162): HLLSVSRRRY[Val152Met]HLCPREDEMA

ClinVar aggregate classification (germline): Uncertain significance. Review status: criteria provided, multiple submitters, no conflicts (2 of 4 stars). 2 submissions from 2 submitters: Uncertain significance (2). Last evaluated 2025-04-01.

Allele frequency attached by ClinVar (database versions not stated): gnomAD 0.00001 and 0.00002; TOPMed 0.00002; gnomAD exomes 0.00003; ExAC 0.00005; 1000 Genomes Project 30x 0.00016; 1000 Genomes Project 0.00020.
gnomAD v4.1: 29 of 1,584,490 alleles (0.0018%); highest among the groups gnomAD compares: Admixed American, 0.021%; no homozygotes.

Submissions (2):

Ambry Genetics
Classification: Uncertain significance. Last evaluated: 2025-04-01. Review status: criteria provided, single submitter. Criteria: Ambry Variant Classification Scheme 2023. Collection method: clinical testing. Allele origin: germline.

Labcorp Genetics (formerly Invitae), Labcorp
Classification: Uncertain significance. Last evaluated: 2022-08-19. Review status: criteria provided, single submitter. Criteria: Invitae Variant Classification Sherloc (09022015). Collection method: clinical testing. Allele origin: germline.
Comment: Algorithms developed to predict the effect of missense changes on protein structure and function are either unavailable or do not agree on the potential impact of this missense change (SIFT: "Deleterious"; PolyPhen-2: "Possibly Damaging"; Align-GVGD: "Class C0"). In summary, the available evidence is currently insufficient to determine the role of this variant in disease. Therefore, it has been classified as a Variant of Uncertain Significance. ClinVar contains an entry for this variant (Variation ID: 1397197). This sequence change replaces valine, which is neutral and non-polar, with methionine, which is neutral and non-polar, at codon 152 of the FSCN2 protein (p.Val152Met). This variant is present in population databases (rs557443473, gnomAD 0.02%). This variant has not been reported in the literature in individuals affected with FSCN2-related conditions.